The following is an entry in ClinVar:

NM_018979.4(WNK1):c.5246C>T (p.Thr1749Ile)

Gene: WNK1 (WNK lysine deficient protein kinase 1; plus strand). Cytogenetic location: 12p13.33.
Variant type: single nucleotide variant.
Coding change: c.5246C>T on transcript NM_018979.4 (MANE Select); coding-DNA position 5246, C replaced by T.
Protein change: p.Thr1749Ile; replaces threonine 1749 with isoleucine.
Molecular consequence: missense variant.
Genome position (GRCh38, 1-based): chr12:886,050, C>T. VCF-style: chr12-886050-C-T. GRCh37 (hg19) VCF-style: chr12-995216-C-T.
Other names: c.6026C>T, p.Thr2009Ile (NM_001184985.2); c.4505C>T, p.Thr1502Ile (NM_014823.3); c.6002C>T, p.Thr2001Ile (NM_213655.5); short protein forms T1502I, T2001I, T2009I, T1749I.
Identifiers: ClinVar variation 2941057 (VCV002941057.3), dbSNP rs779203190, ClinGen allele CA6383095.

ClinVar aggregate classification (germline): Uncertain significance (1 of 4 stars; one submission).

Conditions:
Neuropathy, hereditary sensory and autonomic, type 2A (HSAN2A). Also called: ACROOSTEOLYSIS, GIACCAI TYPE; ACROOSTEOLYSIS, NEUROGENIC; MORVAN DISEASE; NEUROPATHY, CONGENITAL SENSORY; NEUROPATHY, HEREDITARY SENSORY RADICULAR, AUTOSOMAL RECESSIVE; NEUROPATHY, HEREDITARY SENSORY, TYPE IIA. Identifiers: Orphanet 970, MedGen C2752089, MONDO:0024309, OMIM 201300.
Pseudohypoaldosteronism type 2C (PHA2C). Also called: Pseudohypoaldosteronism Type IIC. Identifiers: Orphanet 757, Orphanet 88940, MedGen C1840391, MONDO:0013778, OMIM 614492.

Allele frequency attached by ClinVar (database versions not stated): gnomAD exomes below 0.00001; ExAC 0.00001.
gnomAD v4.1: 2 of 1,605,770 alleles (0.00012%); highest among the groups gnomAD compares: Non-Finnish European, 0.00017%; no homozygotes.

Submission:

Labcorp Genetics (formerly Invitae), Labcorp
Classification: Uncertain significance for Neuropathy, hereditary sensory and autonomic, type 2A; Pseudohypoaldosteronism type 2C. Last evaluated: 2022-10-27. Review status: criteria provided, single submitter. Criteria: Invitae Variant Classification Sherloc (09022015). Collection method: clinical testing. Allele origin: germline.
Comment: In summary, the available evidence is currently insufficient to determine the role of this variant in disease. Therefore, it has been classified as a Variant of Uncertain Significance. Advanced modeling of protein sequence and biophysical properties (such as structural, functional, and spatial information, amino acid conservation, physicochemical variation, residue mobility, and thermodynamic stability) performed at Invitae indicates that this missense variant is not expected to disrupt WNK1 protein function. This variant has not been reported in the literature in individuals affected with WNK1-related conditions. This variant is present in population databases (rs779203190, gnomAD 0.0009%). This sequence change replaces threonine, which is neutral and polar, with isoleucine, which is neutral and non-polar, at codon 2001 of the WNK1 protein (p.Thr2001Ile).